The following is an entry in ClinVar:

ClinVar aggregate classification (germline): Likely benign (1 of 4 stars; one submission).

Submission:

CeGaT Center for Human Genetics Tuebingen
Classification: Likely benign. Last evaluated: 2026-02-01. Review status: criteria provided, single submitter. Criteria: CeGaT Center For Human Genetics Tuebingen Variant Classification Criteria Version 2. Collection method: clinical testing. Allele origin: germline. Affected: yes. Observed: 1 variant allele.
Comment: PHF12: BP4, BP7

NM_001033561.2(PHF12):c.2904G>A (p.Ala968=)

Gene: PHF12 (PHD finger protein 12; minus strand). Cytogenetic location: 17q11.2.
Variant type: single nucleotide variant.
Coding change: c.2904G>A on transcript NM_001033561.2 (MANE Select); coding-DNA position 2904, G replaced by A.
Protein change: p.Ala968=; no amino-acid change (alanine 968 retained).
Molecular consequence: synonymous variant. On other transcripts: 3 prime UTR variant (1).
Genome position (GRCh38, 1-based): chr17:28,906,294, C>T on the plus strand (G>A on the coding strand, the complement: PHF12 is on the minus strand). VCF-style: chr17-28906294-C-T. GRCh37 (hg19) VCF-style: chr17-27233312-C-T.
Other names: c.*3741G>A (NM_001290131.2).
Identifiers: ClinVar variation 4820795 (VCV004820795.4).
Genomic context (GRCh38, chr17:28,906,294, plus strand): 5'-GAGCTTCTCGGCCAAGACCCCATCCTGCAGCAGGCTGGCATCGCCTTTGGGCTGTTTGGT[C>T]GCAAACTCAGTGATGCTGAAGACAAACTGCAGGCAGCCCAGCTTGATGTAGCTGCCATGG-3'
Protein context (NP_001028733.1, residues 958-978): LQFVFSITEF[Ala968=]TKQPKGDASL